The following is an entry in ClinVar:

NM_003640.5(ELP1):c.613C>T (p.Gln205Ter)

Gene: ELP1 (elongator acetyltransferase complex subunit 1; minus strand). Cytogenetic location: 9q31.3.
Variant type: single nucleotide variant.
Coding change: c.613C>T on transcript NM_003640.5 (MANE Select); coding-DNA position 613, C replaced by T.
Protein change: p.Gln205Ter; replaces glutamine 205 with a stop codon.
Molecular consequence: nonsense. On other transcripts: intron variant (1).
Genome position (GRCh38, 1-based): chr9:108,919,289, G>A on the plus strand (C>T on the coding strand, the complement: ELP1 is on the minus strand). VCF-style: chr9-108919289-G-A. GRCh37 (hg19) VCF-style: chr9-111681569-G-A.
Other names: c.271C>T, p.Gln91Ter (NM_001318360.2); c.-307-1619C>T (NM_001330749.2); short protein forms Q205*, Q91*.
Identifiers: ClinVar variation 4815246 (VCV004815246.1).

ClinVar aggregate classification (germline): Likely pathogenic (1 of 4 stars; one submission).

Conditions:
Familial dysautonomia. Also called: HSAN III; FD. Identifiers: Orphanet 1764, MedGen C0013364, MONDO:0009131, OMIM 223900. Disease mechanism: loss of function.

gnomAD v4.1: 1 of 1,613,592 alleles (0.000062%); no homozygotes.

Submission:

Natera, Inc.
Classification: Likely pathogenic for Familial dysautonomia. Last evaluated: 2025-02-03. Review status: criteria provided, single submitter. Criteria: Natera Variant Classification Schema (03/2026). Collection method: clinical testing. Allele origin: germline.
Comment: The c.613C>T variant in ELP1 is a nonsense variant predicted to introduce a stop codon at amino acid 205. This variant is expected to result in nonsense mediated decay, truncation, or a dysfunctional protein product. This variant is rare in the general population with a frequency below the threshold expected for the associated phenotype(s). Given the available evidence, this variant is classified as Likely Pathogenic.